The following is an entry in ClinVar:

NM_001430.5(EPAS1):c.2566C>G (p.Leu856Val)

Gene: EPAS1 (endothelial PAS domain protein 1; plus strand). Cytogenetic location: 2p21.
Variant type: single nucleotide variant.
Coding change: c.2566C>G on transcript NM_001430.5 (MANE Select); coding-DNA position 2566, C replaced by G.
Protein change: p.Leu856Val; replaces leucine 856 with valine.
Molecular consequence: missense variant.
Genome position (GRCh38, 1-based): chr2:46,384,613, C>G. VCF-style: chr2-46384613-C-G. GRCh37 (hg19) VCF-style: chr2-46611752-C-G.
Other names: short protein forms L856V.
Identifiers: ClinVar variation 2562021 (VCV002562021.2), dbSNP rs2546483768, ClinGen allele CA346707138.

ClinVar aggregate classification (germline): Uncertain significance (1 of 4 stars; one submission).

Conditions:
Inborn genetic diseases. Identifiers: MedGen C0950123, MeSH D030342.

Submission:

Ambry Genetics
Classification: Uncertain significance for Inborn genetic diseases. Last evaluated: 2023-04-07. Review status: criteria provided, single submitter. Criteria: Ambry Variant Classification Scheme 2023. Collection method: clinical testing. Allele origin: germline.
Comment: The p.L856V variant (also known as c.2566C>G), located in coding exon 16 of the EPAS1 gene, results from a C to G substitution at nucleotide position 2566. The leucine at codon 856 is replaced by valine, an amino acid with highly similar properties. This amino acid position is conserved. In addition, the in silico prediction for this alteration is inconclusive. Since supporting evidence is limited at this time, the clinical significance of this alteration remains unclear.